The following is an entry in ClinVar:

ClinVar aggregate classification (germline): Conflicting classifications of pathogenicity. Review status: criteria provided, conflicting classifications (1 of 4 stars). 2 submissions from 2 submitters: Uncertain significance (1); Likely benign (1). Last evaluated 2023-11-02.

Conditions:
Cardiovascular phenotype. Identifiers: MedGen CN230736.
Brugada syndrome 8 (BRGDA8). Identifiers: Orphanet 130, MedGen C2751083, MONDO:0013148, OMIM 613123.

Allele frequency attached by ClinVar (database versions not stated): gnomAD exomes below 0.00001; ExAC 0.00001.
gnomAD v4.1: 19 of 1,605,480 alleles (0.0012%); highest among the groups gnomAD compares: Non-Finnish European, 0.0016%; no homozygotes.

Submissions (2):

Ambry Genetics
Classification: Likely benign for Cardiovascular phenotype. Last evaluated: 2023-11-02. Review status: criteria provided, single submitter. Criteria: Ambry Variant Classification Scheme 2023. Collection method: clinical testing. Allele origin: germline.

Labcorp Genetics (formerly Invitae), Labcorp
Classification: Uncertain significance for Brugada syndrome 8. Last evaluated: 2021-12-10. Review status: criteria provided, single submitter. Criteria: Invitae Variant Classification Sherloc (09022015). Collection method: clinical testing. Allele origin: germline.
Comment: Advanced modeling of protein sequence and biophysical properties (such as structural, functional, and spatial information, amino acid conservation, physicochemical variation, residue mobility, and thermodynamic stability) performed at Invitae indicates that this missense variant is not expected to disrupt HCN4 protein function. This sequence change replaces serine, which is neutral and polar, with arginine, which is basic and polar, at codon 872 of the HCN4 protein (p.Ser872Arg). This variant is present in population databases (rs773525527, gnomAD 0.007%). This variant has not been reported in the literature in individuals affected with HCN4-related conditions. ClinVar contains an entry for this variant (Variation ID: 969294). In summary, the available evidence is currently insufficient to determine the role of this variant in disease. Therefore, it has been classified as a Variant of Uncertain Significance.

NM_005477.3(HCN4):c.2616C>G (p.Ser872Arg)

Gene: HCN4 (hyperpolarization activated cyclic nucleotide gated potassium channel 4; minus strand). Cytogenetic location: 15q24.1.
Variant type: single nucleotide variant.
Coding change: c.2616C>G on transcript NM_005477.3 (MANE Select); coding-DNA position 2616, C replaced by G.
Protein change: p.Ser872Arg; replaces serine 872 with arginine.
Molecular consequence: missense variant.
Genome position (GRCh38, 1-based): chr15:73,323,477, G>C on the plus strand (C>G on the coding strand, the complement: HCN4 is on the minus strand). VCF-style: chr15-73323477-G-C. GRCh37 (hg19) VCF-style: chr15-73615818-G-C.
Other names: short protein forms S872R.
Identifiers: ClinVar variation 969294 (VCV000969294.7), dbSNP rs773525527, ClinGen allele CA7648988.